The following is an entry in ClinVar:

ClinVar aggregate classification (germline): Pathogenic. Review status: criteria provided, multiple submitters, no conflicts (2 of 4 stars). 18 submissions from 17 submitters: Pathogenic (16). 2 of the submissions do not count toward it. Last evaluated 2026-01-16.

Conditions:
GBA-related disorder. Also called: GBA-related disorders.
GBA1-related disorder. Also called: GBA1-related condition.
Parkinson disease, late-onset (PD). Also called: Susceptibility to Parkinson's Disease; PARKINSON DISEASE, LATE-ONSET, SUSCEPTIBILITY TO; Hereditary late onset Parkinson disease. Identifiers: Orphanet 411602, MedGen C3160718, MONDO:0008199, OMIM 168600.
Gaucher disease-ophthalmoplegia-cardiovascular calcification syndrome. Also called: GAUCHER DISEASE, TYPE IIIC. Identifiers: Orphanet 2072, MedGen C1856476, MONDO:0009268, OMIM 231005.
Gaucher disease perinatal lethal. Also called: Gaucher disease collodion type; Gaucher Disease, Perinatal-Lethal Form. Identifiers: Orphanet 85212, MedGen C1842704, MONDO:0011945, OMIM 608013.
Gaucher disease type I (GD1). Also called: GAUCHER DISEASE, NONCEREBRAL JUVENILE; GBA DEFICIENCY; GD I; GLUCOCEREBROSIDASE DEFICIENCY; ACID BETA-GLUCOSIDASE DEFICIENCY; GD 1. Identifiers: Orphanet 355, Orphanet 77259, MedGen C1961835, MONDO:0009265, OMIM 230800.
Gaucher disease type II (GD2). Also called: GAUCHER DISEASE, ACUTE NEURONOPATHIC TYPE; GD II; Type 2 Gaucher disease (Acute; Infantile); Acute neuronopathic Gaucher's disease. Identifiers: Orphanet 77260, MedGen C0268250, MONDO:0009266, OMIM 230900.
Gaucher disease type III. Also called: GAUCHER DISEASE, CHRONIC NEURONOPATHIC TYPE; GAUCHER DISEASE, JUVENILE AND ADULT, CEREBRAL; GAUCHER DISEASE, SUBACUTE NEURONOPATHIC TYPE; GD III; Gaucher Disease, Type 3; Type 3 Gaucher disease (Subacute; Juvenile). Identifiers: Orphanet 355, Orphanet 77261, MedGen C0268251, MONDO:0009267, OMIM 231000.
Lewy body dementia (DLB). Also called: Lewy Body Disease. Identifiers: MedGen C0752347, MONDO:0007488, OMIM 127750.
Gaucher disease. Also called: Acute cerebral Gaucher disease; Cerebroside lipidosis syndrome; Gaucher splenomegaly; Sphingolipidosis 1; Glucocerebrosidosis; Glucosylceramidase deficiency. Identifiers: Orphanet 355, MedGen C0017205, MONDO:0018150.

Allele frequency attached by ClinVar (database versions not stated): gnomAD exomes 0.00003 and 0.00008; gnomAD 0.00004; ExAC 0.00003; TOPMed 0.00005.
gnomAD v4.1: 120 of 1,613,838 alleles (0.0074%); highest among the groups gnomAD compares: Non-Finnish European, 0.0097%; no homozygotes.

Submissions 1 to 8 of 18:

Labcorp Genetics (formerly Invitae), Labcorp
Classification: Pathogenic. Last evaluated: 2026-01-16. Review status: criteria provided, single submitter. Criteria: Invitae Variant Classification Sherloc (09022015). Collection method: clinical testing. Allele origin: germline.
Comment: This sequence change replaces arginine, which is basic and polar, with glutamine, which is neutral and polar, at codon 296 of the GBA protein (p.Arg296Gln). The frequency data for this variant in the population databases (gnomAD) is considered unreliable due to the presence of homologous sequence, such as pseudogenes or paralogs, in the genome. This missense change has been observed in individual(s) with Gaucher disease and/or Parkinson disease (PMID: 8790604, 22387070, 26709268, 27717005, 29091352, 33176831, 37291213). This variant is also known as Arg257Gln. ClinVar contains an entry for this variant (Variation ID: 4328). Invitae Evidence Modeling of protein sequence and biophysical properties (such as structural, functional, and spatial information, amino acid conservation, physicochemical variation, residue mobility, and thermodynamic stability) indicates that this missense variant is expected to disrupt GBA protein function with a positive predictive value of 80%. Experimental studies have shown that this missense change affects GBA function (PMID: 33176831). For these reasons, this variant has been classified as Pathogenic.

Natera, Inc.
Classification: Pathogenic for Gaucher disease. Last evaluated: 2025-11-10. Review status: criteria provided, single submitter. Criteria: Natera Variant Classification Schema (03/2026). Collection method: clinical testing. Allele origin: germline.
Comment: The c.887G>A variant in GBA1 is a missense variant predicted to cause substitution of arginine to glutamine at amino acid 296. This variant is rare in the general population with a frequency below the threshold expected for the associated phenotype(s). This variant has been observed in one or more individuals affected with the associated recessive disease, as either homozygous or compound heterozygous with a second variant (PMID: 34134921). Given the available evidence, this variant is classified as Pathogenic.

Blueprint Genetics
Classification: Pathogenic for GBA-related disorders. Last evaluated: 2024-11-22. Review status: criteria provided, single submitter. Criteria: ACMG Guidelines, 2015. Collection method: clinical testing. Allele origin: germline. Affected: yes. Observed: 4 variant alleles.

Greenwood Genetic Center Diagnostic Laboratories, Greenwood Genetic Center
Classification: Pathogenic for GBA1-related disorder. Last evaluated: 2024-02-09. Review status: criteria provided, single submitter. Criteria: ACMG Guidelines, 2015. Collection method: clinical testing. Allele origin: germline. Affected: yes.
Comment: PS3, PM3_Strong, PP3

Revvity Omics, Revvity
Classification: Pathogenic. Last evaluated: 2023-07-28. Review status: criteria provided, single submitter. Criteria: ACMG Guidelines, 2015. Collection method: clinical testing. Allele origin: germline.

Illumina Laboratory Services, Illumina
Classification: Pathogenic for Gaucher disease type I. Last evaluated: 2023-04-21. Review status: criteria provided, single submitter. Criteria: ICSLVariantClassificationCriteria RUGD 01 April 2020. Collection method: clinical testing. Allele origin: unknown.
Comment: The GBA c.887G>A (p.Arg296Gln) missense variant, also referred to as p.Arg257Gln, has been identified in individuals with Gaucher disease. In the majority of affected indivduals, the variant was found in a compound heterozygous state with a second missense variant. In one individual it was found in a compound heterozygous state with a 55 bp deletion and in another in a homozygous state (PMID: 17395504; PMID: 20729108; PMID: 25435509). This variant is reported in the Genome Aggregation Database in eight alleles at a frequency of 0.000062 in the European (non-Finnish) population (version 2.1.1). Functional evidence demonstrated that this variant impacts protein function (PMID: 29091352). Multiple lines of computational evidence suggest the variant may impact the gene or gene product. Based on the available evidence, the c.887G>A (p.Arg296Gln) variant is classified as pathogenic for Gaucher disease.

Victorian Clinical Genetics Services, Murdoch Childrens Research Institute
Classification: Pathogenic for Gaucher disease type I. Last evaluated: 2022-06-24. Review status: criteria provided, single submitter. Criteria: ACMG Guidelines, 2015. Collection method: clinical testing. Allele origin: germline. Inheritance: Autosomal recessive inheritance. Affected: yes.
Comment: Based on the classification scheme VCGS_Germline_v1.3.4, this variant is classified as Pathogenic. Following criteria are met: 0102 - Loss of function is a known mechanism of disease in this gene and is associated with Gaucher disease (MIM# 230800, 230900, 231000, 231005, 608013). (I) 0106 - This gene is associated with autosomal recessive disease. (I) 0115 - Variants in this gene are known to have variable expressivity. Gaucher disease is associated with marked clinical variability, even within the same family (PMID: 31010158). (I) 0200 - Variant is predicted to result in a missense amino acid change from arginine to glutamine. (I) 0251 - This variant is heterozygous. (I) 0304 - Variant is present in gnomAD (v2) <0.01 for a recessive condition (10 heterozygotes, 0 homozygotes). (SP) 0501 - Missense variant consistently predicted to be damaging by multiple in silico tools or highly conserved with a major amino acid change. (SP) 0600 - Variant is located in the annotated glycosyl hydrolase family 30 TIM-barrel domain (NCBI). (I) 0801 - This variant has very strong previous evidence of pathogenicity in unrelated individuals. This variant has previously been reported in multiple individuals with Gaucher disease (ClinVar, PMID: 33176831). (SP) 1208 - Inheritance information for this variant is not currently available in this individual. (I) Legend: (SP) - Supporting pathogenic, (I) - Information, (SB) - Supporting benign

ARUP Laboratories, Molecular Genetics and Genomics, ARUP Laboratories
Classification: Pathogenic. Last evaluated: 2021-09-23. Review status: criteria provided, single submitter. Criteria: ARUP Molecular Germline Variant Investigation Process 2021. Collection method: clinical testing. Allele origin: germline.
Comment: The GBA c.887G>A; p.Arg296Gln variant (rs78973108), also known as Arg257Gln, is reported in the literature in the homozygous and compound heterozygous state in multiple individuals and families affected with Gaucher syndrome (Beutler 1994, Erdos 2007, Kim 2020, Lee 2012, Stone 2000). Functional analyses of the variant protein show a dramatic reduction in GBA enzyme activity (Kim 2020). This variant is also reported in ClinVar (Variation ID: 4328). This variant is found in the general population with an overall allele frequency of 0.004% (10/282590 alleles) in the Genome Aggregation Database. The arginine at codon 296 is highly conserved, and computational analyses predict that this variant is deleterious (REVEL: 0.942). Based on available information, this variant is considered to be pathogenic. References: Beutler E et al. Glucocerebrosidase mutations in Gaucher disease. Mol Med. 1994 Nov;1(1):82-92. PMID: 8790604. Erdos M et al. Genetic and clinical features of patients with Gaucher disease in Hungary. Blood Cells Mol Dis. 2007 Jul-Aug;39(1):119-23. PMID: 17395504. Kim YM et al. The GBA p.G85E mutation in Korean patients with non-neuronopathic Gaucher disease: founder and neuroprotective effects. Orphanet J Rare Dis. 2020 Nov 11;15(1):318. PMID: 33176831. Lee JY et al. Clinical and genetic characteristics of Gaucher disease according to phenotypic subgroups. Korean J Pediatr. 2012 Feb;55(2):48-53. PMID: 22375149. Stone DL et al. Type 2 Gaucher disease: the collodion baby phenotype revisited. Arch Dis Child Fetal Neonatal Ed. 2000 Mar;82(2):F163-6. PMID: 10685993.

NM_000157.4(GBA1):c.887G>A (p.Arg296Gln)

Genes: GBA1 (glucosylceramidase beta 1; minus strand), LOC106627981 (GBA recombination region; plus strand). Cytogenetic location: 1q22.
Variant type: single nucleotide variant.
Coding change: c.887G>A on transcript NM_000157.4 (MANE Select); coding-DNA position 887, G replaced by A.
Protein change: p.Arg296Gln; replaces arginine 296 with glutamine.
Molecular consequence: missense variant.
Genome position (GRCh38, 1-based): chr1:155,237,453, C>T on the plus strand (G>A on the coding strand, the complement: GBA1 is on the minus strand). VCF-style: chr1-155237453-C-T. GRCh37 (hg19) VCF-style: chr1-155207244-C-T.
Other names: R257E; c.887G>A (NM_000157.3, NM_001005742.2); c.887G>A, p.Arg296Gln (NM_001005741.3, NM_001005742.3); c.626G>A, p.Arg209Gln (NM_001171811.2); c.740G>A, p.Arg247Gln (NM_001171812.2); short protein forms R296Q, R209Q, R247Q.
Identifiers: ClinVar variation 4328 (VCV000004328.44), dbSNP rs78973108, ClinGen allele CA221417.
Genomic context (GRCh38, chr1:155,237,453, plus strand): 5'-CGGACATTGTGGTGAGTACTGTTGGCGAGGGTAGGACCTAGGTCACGGGCAATGAAGTCT[C>T]GCTGATGTTCAGGGGTGAAGCCCAGGCACTGGAAGGGGTATCCACTCAACAGCCCAGCAG-3'
Protein context (NP_000148.2, residues 286-306): QCLGFTPEHQ[Arg296Gln]DFIARDLGPT